The following is an entry in ClinVar:

ClinVar aggregate classification (germline): Conflicting classifications of pathogenicity. Review status: criteria provided, conflicting classifications (1 of 4 stars). 6 submissions from 6 submitters: Uncertain significance (5); Likely benign (1). Last evaluated 2025-09-25.

Conditions:
ABCC9-related disorder. Also called: ABCC9-related condition; ABCC9-related disorders.
Intellectual disability and myopathy syndrome (IDMYS). Identifiers: MedGen C5676904, MONDO:0859224, OMIM 619719.
Dilated cardiomyopathy 1O (CMD1O). Also called: CARDIOMYOPATHY, DILATED, WITH VENTRICULAR TACHYCARDIA. Identifiers: Orphanet 154, MedGen C1837839, MONDO:0012062, OMIM 608569.
Atrial fibrillation, familial, 12 (ATFB12). Identifiers: MedGen C3279695, MONDO:0013545, OMIM 614050.
Hypertrichotic osteochondrodysplasia Cantu type. Also called: Cantu Syndrome; Cantú Syndrome. Identifiers: Orphanet 1517, MedGen C0795905, MONDO:0009406, OMIM 239850.
Cardiovascular phenotype. Identifiers: MedGen CN230736.

Allele frequency attached by ClinVar (database versions not stated): ExAC 0.00002; gnomAD exomes 0.00002 and 0.00004; gnomAD 0.00003 and 0.00004.
gnomAD v4.1: 26 of 1,613,620 alleles (0.0016%); highest among the groups gnomAD compares: Admixed American, 0.017%; no homozygotes.

Submissions (6):

GeneDx
Classification: Uncertain significance. Last evaluated: 2025-09-25. Review status: criteria provided, single submitter. Criteria: GeneDx Variant Classification Process June 2021. Collection method: clinical testing. Allele origin: germline. Affected: yes.
Comment: Has not been previously published as pathogenic or benign to our knowledge; In silico analysis suggests that this missense variant does not alter protein structure/function

Labcorp Genetics (formerly Invitae), Labcorp
Classification: Uncertain significance for Dilated cardiomyopathy 1O. Last evaluated: 2025-09-22. Review status: criteria provided, single submitter. Criteria: Invitae Variant Classification Sherloc (09022015). Collection method: clinical testing. Allele origin: germline.
Comment: This sequence change replaces glutamic acid, which is acidic and polar, with lysine, which is basic and polar, at codon 1021 of the ABCC9 protein (p.Glu1021Lys). This variant is present in population databases (rs749668601, gnomAD 0.02%). This variant has not been reported in the literature in individuals affected with ABCC9-related conditions. ClinVar contains an entry for this variant (Variation ID: 1303112). Invitae Evidence Modeling of protein sequence and biophysical properties (such as structural, functional, and spatial information, amino acid conservation, physicochemical variation, residue mobility, and thermodynamic stability) indicates that this missense variant is not expected to disrupt ABCC9 protein function with a negative predictive value of 95%. In summary, the available evidence is currently insufficient to determine the role of this variant in disease. Therefore, it has been classified as a Variant of Uncertain Significance.

Women's Health and Genetics/Laboratory Corporation of America, LabCorp
Classification: Likely benign. Last evaluated: 2025-09-15. Review status: criteria provided, single submitter. Criteria: LabCorp Variant Classification Summary - May 2015. Collection method: clinical testing. Allele origin: germline.
Comment: Variant summary: ABCC9 c.3061G>A (p.Glu1021Lys) results in a conservative amino acid change in the encoded protein sequence. Algorithms developed to predict the effect of missense changes on protein structure and function all suggest that this variant is likely to be tolerated. The variant allele was found at a frequency of 1.6e-05 in 1613620 control chromosomes. The observed variant frequency exceeds the estimated maximal expected allele frequency for disease-causing variants in ABCC9. To our knowledge, no occurrence of c.3061G>A in individuals affected with ABCC9-related conditions and no experimental evidence demonstrating its impact on protein function have been reported. ClinVar contains an entry for this variant (Variation ID: 1303112). Based on the evidence outlined above, the variant was classified as likely benign.

PreventionGenetics, part of Exact Sciences
Classification: Uncertain significance for ABCC9-related condition. Last evaluated: 2025-01-10. Review status: criteria provided, single submitter. Criteria: ACMG Guidelines, 2015. Collection method: clinical testing. Allele origin: germline.
Comment: The ABCC9 c.3061G>A variant is predicted to result in the amino acid substitution p.Glu1021Lys. To our knowledge, this variant has not been reported in the literature. This variant is reported in 0.020% of alleles in individuals of Latino descent in gnomAD. At this time, the clinical significance of this variant is uncertain due to the absence of conclusive functional and genetic evidence.

Ambry Genetics
Classification: Uncertain significance for Cardiovascular phenotype. Last evaluated: 2024-11-27. Review status: criteria provided, single submitter. Criteria: Ambry Variant Classification Scheme 2023. Collection method: clinical testing. Allele origin: germline.
Comment: The p.E1021K variant (also known as c.3061G>A), located in coding exon 24 of the ABCC9 gene, results from a G to A substitution at nucleotide position 3061. The glutamic acid at codon 1021 is replaced by lysine, an amino acid with similar properties. This amino acid position is not well conserved in available vertebrate species. In addition, this alteration is predicted to be tolerated by in silico analysis. Based on the available evidence, the clinical significance of this variant remains unclear.

Fulgent Genetics
Classification: Uncertain significance for Hypertrichotic osteochondrodysplasia Cantu type; Dilated cardiomyopathy 1O; Atrial fibrillation, familial, 12; Intellectual disability and myopathy syndrome. Last evaluated: 2021-10-04. Review status: criteria provided, single submitter. Criteria: ACMG Guidelines, 2015. Collection method: clinical testing. Allele origin: unknown.

NM_020297.4(ABCC9):c.3061G>A (p.Glu1021Lys)

Gene: ABCC9 (ATP binding cassette subfamily C member 9; minus strand). Cytogenetic location: 12p12.1.
Variant type: single nucleotide variant.
Coding change: c.3061G>A on transcript NM_020297.4 (MANE Select); coding-DNA position 3061, G replaced by A.
Protein change: p.Glu1021Lys; replaces glutamic acid 1021 with lysine.
Molecular consequence: missense variant.
Genome position (GRCh38, 1-based): chr12:21,845,638, C>T on the plus strand (G>A on the coding strand, the complement: ABCC9 is on the minus strand). VCF-style: chr12-21845638-C-T. GRCh37 (hg19) VCF-style: chr12-21998572-C-T.
Other names: c.3061G>A (NM_020297.3, NM_005691.3); c.3061G>A, p.Glu1021Lys (NM_001377273.1, NM_005691.4); c.2194G>A, p.Glu732Lys (NM_001377274.1); short protein forms E1021K, E732K.
Identifiers: ClinVar variation 1303112 (VCV001303112.16), dbSNP rs749668601, ClinGen allele CA6481225.
Genomic context (GRCh38, chr12:21,845,638, plus strand): 5'-AAAAACAAAACCGAACCAATTGTACCTGATCAGCTTTTCCAGTATTGTTTATACTGTACT[C>T]CGATGTCCATGTGGCCAGCCAATAGTCTATAGCTACAATGACCGAATGCTTCAAAAGCTT-3'
Protein context (NP_064693.2, residues 1011-1031): IDYWLATWTS[Glu1021Lys]YSINNTGKAD